The following is an entry in ClinVar:

NM_000812.4(GABRB1):c.46C>T (p.Pro16Ser)

Gene: GABRB1 (gamma-aminobutyric acid type A receptor subunit beta1; plus strand). Cytogenetic location: 4p12.
Variant type: single nucleotide variant.
Coding change: c.46C>T on transcript NM_000812.4 (MANE Select); coding-DNA position 46, C replaced by T.
Protein change: p.Pro16Ser; replaces proline 16 with serine.
Molecular consequence: missense variant.
Genome position (GRCh38, 1-based): chr4:47,031,697, C>T. VCF-style: chr4-47031697-C-T. GRCh37 (hg19) VCF-style: chr4-47033714-C-T.
Other names: short protein forms P16S.
Identifiers: ClinVar variation 2873240 (VCV002873240.3), dbSNP rs781754818, ClinGen allele CA356805207.

ClinVar aggregate classification (germline): Uncertain significance (1 of 4 stars; one submission).

Allele frequency attached by ClinVar (database versions not stated): TOPMed 0.00001.
gnomAD v4.1: 1 of 1,613,760 alleles (0.000062%); highest among the groups gnomAD compares: Non-Finnish European, 0.000085%; no homozygotes.

Submission:

Labcorp Genetics (formerly Invitae), Labcorp
Classification: Uncertain significance. Last evaluated: 2023-03-21. Review status: criteria provided, single submitter. Criteria: Invitae Variant Classification Sherloc (09022015). Collection method: clinical testing. Allele origin: germline.
Comment: In summary, the available evidence is currently insufficient to determine the role of this variant in disease. Therefore, it has been classified as a Variant of Uncertain Significance. Advanced modeling of protein sequence and biophysical properties (such as structural, functional, and spatial information, amino acid conservation, physicochemical variation, residue mobility, and thermodynamic stability) performed at Invitae indicates that this missense variant is not expected to disrupt GABRB1 protein function. This variant has not been reported in the literature in individuals affected with GABRB1-related conditions. This variant is not present in population databases (gnomAD no frequency). This sequence change replaces proline, which is neutral and non-polar, with serine, which is neutral and polar, at codon 16 of the GABRB1 protein (p.Pro16Ser).